The following is an entry in ClinVar:

NM_001605.3(AARS1):c.2607+13C>A

Gene: AARS1 (alanyl-tRNA synthetase 1; minus strand). Cytogenetic location: 16q22.1.
Variant type: single nucleotide variant.
Coding change: c.2607+13C>A on transcript NM_001605.3 (MANE Select); 13 bases into the intron after coding-DNA position 2607, C replaced by A.
Molecular consequence: intron variant.
Genome position (GRCh38, 1-based): chr16:70,253,701, G>T on the plus strand (C>A on the coding strand, the complement: AARS1 is on the minus strand). VCF-style: chr16-70253701-G-T. GRCh37 (hg19) VCF-style: chr16-70287604-G-T.
Identifiers: ClinVar variation 2059079 (VCV002059079.5), dbSNP rs766086262, ClinGen allele CA8140353.

ClinVar aggregate classification (germline): Likely benign. Review status: criteria provided, multiple submitters, no conflicts (2 of 4 stars). 2 submissions from 2 submitters: Likely benign (2). Last evaluated 2024-10-22.

Conditions:
Charcot-Marie-Tooth disease type 2. Also called: Charcot-Marie-Tooth type 2. Identifiers: Orphanet 64746, MedGen C0270914, MONDO:0018993.

Allele frequency attached by ClinVar (database versions not stated): TOPMed below 0.00001; ExAC 0.00001.
gnomAD v4.1: 10 of 1,612,822 alleles (0.00062%); highest among the groups gnomAD compares: Non-Finnish European, 0.00076%; no homozygotes.

Submissions (2):

Labcorp Genetics (formerly Invitae), Labcorp
Classification: Likely benign for Charcot-Marie-Tooth disease type 2. Last evaluated: 2024-10-22. Review status: criteria provided, single submitter. Criteria: Invitae Variant Classification Sherloc (09022015). Collection method: clinical testing. Allele origin: germline.

Women's Health and Genetics/Laboratory Corporation of America, LabCorp
Classification: Likely benign. Last evaluated: 2024-01-04. Review status: criteria provided, single submitter. Criteria: LabCorp Variant Classification Summary - May 2015. Collection method: clinical testing. Allele origin: germline.
Comment: Variant summary: AARS1 c.2607+13C>A alters a non-conserved nucleotide located at a position not widely known to affect splicing. Consensus agreement among computation tools predict no significant impact on normal splicing. However, these predictions have yet to be confirmed by functional studies. The variant allele was found at a frequency of 6.8e-06 in 1460464 control chromosomes (gnomAD v4.0.0). The available data on variant occurrences in the general population are insufficient to allow any conclusion about variant significance. To our knowledge, no occurrence of c.2607+13C>A in individuals affected with Developmental And Epileptic Encephalopathy, 29 and no experimental evidence demonstrating its impact on protein function have been reported. One submitter has reported clinical-significance assessments for this variant to ClinVar after 2014 and has classified the variant as likely benign. Based on the evidence outlined above, the variant was classified as likely benign.